The following is an entry in ClinVar:

ClinVar aggregate classification (germline): Uncertain significance (1 of 4 stars; one submission).

Conditions:
Deficiency of hydroxymethylglutaryl-CoA lyase (HMGCLD). Also called: Defect in leucine metabolism; 3-hydroxy-3-methylglutaric aciduria; HMGCL DEFICIENCY; HYDROXYMETHYLGLUTARIC ACIDURIA; HMG-CoA LYASE DEFICIENCY. Identifiers: Orphanet 20, MedGen C1533587, MONDO:0009520, OMIM 246450.

Allele frequency attached by ClinVar (database versions not stated): gnomAD exomes 0.00004; ExAC 0.00006.
gnomAD v4.1: 23 of 1,561,504 alleles (0.0015%); highest among the groups gnomAD compares: Admixed American, 0.015%; no homozygotes.

Submission:

Labcorp Genetics (formerly Invitae), Labcorp
Classification: Uncertain significance for Deficiency of hydroxymethylglutaryl-CoA lyase. Last evaluated: 2022-07-26. Review status: criteria provided, single submitter. Criteria: Invitae Variant Classification Sherloc (09022015). Collection method: clinical testing. Allele origin: germline.
Comment: This sequence change replaces glycine, which is neutral and non-polar, with arginine, which is basic and polar, at codon 14 of the HMGCL protein (p.Gly14Arg). This variant is present in population databases (rs764292245, gnomAD 0.02%). This variant has not been reported in the literature in individuals affected with HMGCL-related conditions. ClinVar contains an entry for this variant (Variation ID: 1352744). Algorithms developed to predict the effect of missense changes on protein structure and function output the following: SIFT: "Deleterious"; PolyPhen-2: "Benign"; Align-GVGD: "Class C0". The arginine amino acid residue is found in multiple mammalian species, which suggests that this missense change does not adversely affect protein function. In summary, the available evidence is currently insufficient to determine the role of this variant in disease. Therefore, it has been classified as a Variant of Uncertain Significance.

NM_000191.3(HMGCL):c.40G>C (p.Gly14Arg)

Gene: HMGCL (3-hydroxy-3-methylglutaryl-CoA lyase; minus strand). Cytogenetic location: 1p36.11.
Variant type: single nucleotide variant.
Coding change: c.40G>C on transcript NM_000191.3 (MANE Select); coding-DNA position 40, G replaced by C.
Protein change: p.Gly14Arg; replaces glycine 14 with arginine.
Molecular consequence: missense variant.
Genome position (GRCh38, 1-based): chr1:23,825,376, C>G on the plus strand (G>C on the coding strand, the complement: HMGCL is on the minus strand). VCF-style: chr1-23825376-C-G. GRCh37 (hg19) VCF-style: chr1-24151866-C-G.
Other names: c.40G>C, p.Gly14Arg (NM_001166059.2); short protein forms G14R.
Identifiers: ClinVar variation 1352744 (VCV001352744.3), dbSNP rs764292245, ClinGen allele CA686224.